The following is an entry in ClinVar:

NM_000875.5(IGF1R):c.2885+15A>G

Gene: IGF1R (insulin like growth factor 1 receptor; plus strand). Cytogenetic location: 15q26.3.
Variant type: single nucleotide variant.
Coding change: c.2885+15A>G on transcript NM_000875.5 (MANE Select); 15 bases into the intron after coding-DNA position 2885, A replaced by G.
Molecular consequence: intron variant.
Genome position (GRCh38, 1-based): chr15:98,929,675, A>G. VCF-style: chr15-98929675-A-G. GRCh37 (hg19) VCF-style: chr15-99472904-A-G.
Other names: c.2882+15A>G (NM_001291858.2).
Identifiers: ClinVar variation 886710 (VCV000886710.12), dbSNP rs56141459, ClinGen allele CA7752543.
Genomic context (GRCh38, chr15:98,929,675, plus strand): 5'-TCGTGGGAGGGTTGGTGATTATGCTGTACGTCTTCCATAGAAAGAGGTCAGTGATGTGCA[A>G]AGTTATGACACTTTCTGTGGCTGAGTGGTTTGATGATTTGAATGTGAGTGAAGGTGATAT-3'

ClinVar aggregate classification (germline): Benign/Likely benign. Review status: criteria provided, multiple submitters, no conflicts (2 of 4 stars). 3 submissions from 3 submitters: Benign (1); Likely benign (2). Last evaluated 2026-01-27.

Conditions:
Growth delay due to insulin-like growth factor I resistance. Also called: Insulin-Like Growth Factor I Resistance; Somatomedin end-organ insensitivity to; Somatomedin-c resistance to; IGF-1 resistance; IGF-I RESISTANCE. Identifiers: Orphanet 73273, MedGen C1849157, MONDO:0010038, OMIM 270450.

Allele frequency attached by ClinVar (database versions not stated): gnomAD exomes 0.00055; ExAC 0.00069; gnomAD 0.00163 and 0.00174; TOPMed 0.00183; ESP Exome Variant Server 0.00254; 1000 Genomes Project 0.00280; 1000 Genomes Project 30x 0.00312.
gnomAD v4.1: 623 of 1,514,852 alleles (0.041%); highest among the groups gnomAD compares: African/African-American, 0.57%; 2 homozygotes.

Submissions (3):

Labcorp Genetics (formerly Invitae), Labcorp
Classification: Benign. Last evaluated: 2026-01-27. Review status: criteria provided, single submitter. Criteria: Invitae Variant Classification Sherloc (09022015). Collection method: clinical testing. Allele origin: germline.

Blueprint Genetics
Classification: Likely benign. Last evaluated: 2024-10-21. Review status: criteria provided, single submitter. Criteria: ACMG Guidelines, 2015. Collection method: clinical testing. Allele origin: germline.

Illumina Laboratory Services, Illumina
Classification: Likely benign for Growth delay due to insulin-like growth factor I resistance. Last evaluated: 2018-01-12. Review status: criteria provided, single submitter. Criteria: ICSL Variant Classification Criteria 13 December 2019. Collection method: clinical testing. Allele origin: germline.
Comment: This variant was observed in the ICSL laboratory as part of a predisposition screen in an ostensibly healthy population. It had not been previously curated by ICSL or reported in the Human Gene Mutation Database (HGMD: prior to June 1st, 2018), and was therefore a candidate for classification through an automated scoring system. Utilizing variant allele frequency, disease prevalence and penetrance estimates, and inheritance mode, an automated score was calculated to assess if this variant is too frequent to cause the disease. Based on the score and internal cut-off values, a variant classified as likely benign is not then subjected to further curation. The score for this variant resulted in a classification of likely benign for this disease.